The following is an entry in ClinVar:

NM_000939.4(POMC):c.711C>A (p.Tyr237Ter)

Gene: POMC (proopiomelanocortin; minus strand). Cytogenetic location: 2p23.3.
Variant type: single nucleotide variant.
Coding change: c.711C>A on transcript NM_000939.4 (MANE Select); coding-DNA position 711, C replaced by A.
Protein change: p.Tyr237Ter; replaces tyrosine 237 with a stop codon.
Molecular consequence: nonsense.
Genome position (GRCh38, 1-based): chr2:25,161,174, G>T on the plus strand (C>A on the coding strand, the complement: POMC is on the minus strand). VCF-style: chr2-25161174-G-T. GRCh37 (hg19) VCF-style: chr2-25384043-G-T.
Other names: c.711C>A, p.Tyr237Ter (NM_001035256.3, NM_001319204.2, NM_001319205.2); short protein forms Y237*.
Identifiers: ClinVar variation 4982155 (VCV004982155.1).
Genomic context (GRCh38, chr2:25,161,174, plus strand): 5'-GGCGTTTTTGAACAGCGTCACCAGGGGCGTCTGGCTCTTCTCGGAGGTCATGAAACCGCC[G>T]TAGCGCTTGTCCTTGGGCGGGCTGCCCCAGCGGAAGTGCTCCATCCTGTAGGGGCCCTCG-3'

ClinVar aggregate classification (germline): Uncertain significance (1 of 4 stars; one submission).

Conditions:
POMC-related disorder. Also called: POMC-related disorders; POMC-related condition.

Submission:

PreventionGenetics, part of Exact Sciences
Classification: Uncertain significance for POMC-related condition. Last evaluated: 2024-12-16. Review status: criteria provided, single submitter. Criteria: ACMG Guidelines, 2015. Collection method: clinical testing. Allele origin: germline.
Comment: The POMC c.711C>A variant is predicted to result in premature protein termination (p.Tyr237*). To our knowledge, this variant has not been reported in the literature or in a large population database (gnomAD), indicating this variant is rare. Premature chain-termination of POMC is expected to be deleterious. However, this nonsense variant occurs near the 3’ end of the last POMC exon, and no clearly-established pathogenic variants have been documented downstream of residue 237. Although we suspect that this variant may be pathogenic, at this time, the clinical significance of this variant is uncertain due to the absence of conclusive functional and genetic evidence.